The following is an entry in ClinVar:

NM_015046.7(SETX):c.7200-172_7200-171del

Genes: SETX (senataxin; minus strand), LOC126860782 (P300/CBP strongly-dependent group 1 enhancer GRCh37_chr9:135144739-135145938; plus strand). Cytogenetic location: 9q34.13.
Variant type: Deletion.
Coding change: c.7200-172_7200-171del on transcript NM_015046.7 (MANE Select); 172 bases into the intron before coding-DNA position 7200 through 171 bases into the intron before coding-DNA position 7200, 2 bases deleted (CG; older notation c.7200-172_7200-171delCG).
Molecular consequence: intron variant.
Genome position (GRCh38, 1-based): chr9:132,269,873-132,269,874, CG deleted on the plus strand (CG on the coding strand, the reverse complement: SETX is on the minus strand). VCF-style (leftmost placement, unchanged base first): chr9-132269872-CCG-C. GRCh37 (hg19) VCF-style: chr9-135145259-CCG-C.
Other names: c.7200-172_7200-171del (NM_001351528.2, NM_001351527.2).
Identifiers: ClinVar variation 1683991 (VCV001683991.2), dbSNP rs1168563923, ClinGen allele CA590766136.

ClinVar aggregate classification (germline): Likely benign (1 of 4 stars; one submission).

Allele frequency attached by ClinVar (database versions not stated): gnomAD 0.00671 and 0.00709.

Submission:

GeneDx
Classification: Likely benign. Last evaluated: 2021-10-03. Review status: criteria provided, single submitter. Criteria: GeneDx Variant Classification Process June 2021. Collection method: clinical testing. Allele origin: germline. Affected: yes.
Comment: See Variant Classification Assertion Criteria.